The following is an entry in ClinVar:

ClinVar aggregate classification (germline): Uncertain significance (1 of 4 stars; one submission).

Allele frequency attached by ClinVar (database versions not stated): gnomAD exomes below 0.00001; ExAC 0.00001; gnomAD 0.00001.
gnomAD v4.1: 2 of 1,613,926 alleles (0.00012%); highest among the groups gnomAD compares: Admixed American, 0.0033%; no homozygotes.

Submission:

Labcorp Genetics (formerly Invitae), Labcorp
Classification: Uncertain significance. Last evaluated: 2021-08-16. Review status: criteria provided, single submitter. Criteria: Invitae Variant Classification Sherloc (09022015). Collection method: clinical testing. Allele origin: germline.
Comment: This sequence change replaces valine with alanine at codon 531 of the TPP1 protein (p.Val531Ala). The valine residue is highly conserved and there is a small physicochemical difference between valine and alanine. This variant is present in population databases (rs757367088, ExAC 0.009%). This variant has not been reported in the literature in individuals affected with TPP1-related conditions. Algorithms developed to predict the effect of missense changes on protein structure and function are either unavailable or do not agree on the potential impact of this missense change (SIFT: "Deleterious"; PolyPhen-2: "Benign"; Align-GVGD: "Class C0"). In summary, the available evidence is currently insufficient to determine the role of this variant in disease. Therefore, it has been classified as a Variant of Uncertain Significance.

NM_000391.4(TPP1):c.1592T>C (p.Val531Ala)

Gene: TPP1 (tripeptidyl peptidase 1; minus strand). Cytogenetic location: 11p15.4.
Variant type: single nucleotide variant.
Coding change: c.1592T>C on transcript NM_000391.4 (MANE Select); coding-DNA position 1592, T replaced by C.
Protein change: p.Val531Ala; replaces valine 531 with alanine.
Molecular consequence: missense variant.
Genome position (GRCh38, 1-based): chr11:6,614,646, A>G on the plus strand (T>C on the coding strand, the complement: TPP1 is on the minus strand). VCF-style: chr11-6614646-A-G. GRCh37 (hg19) VCF-style: chr11-6635877-A-G.
Other names: short protein forms V531A.
Identifiers: ClinVar variation 1431069 (VCV001431069.3), dbSNP rs757367088, ClinGen allele CA5858601.
Genomic context (GRCh38, chr11:6,614,646, plus strand): 5'-GGTGTTCCCCAGCCTGTTACAGGATCCCAGCCAGGACCAGAGCAGAAACCCTGGCCCTCT[A>G]CCTCTTCATCCAGACAGGACTCATGGCAGCCACGGGTTACCTAGGGAGGAGGCTGGCATC-3'
Protein context (NP_000382.3, residues 521-541): GCHESCLDEE[Val531Ala]EGQGFCSGPG